The following is an entry in ClinVar:

ClinVar aggregate classification (germline): Uncertain significance (1 of 4 stars; one submission).

Conditions:
Deficiency of galactokinase. Also called: Galactokinase deficiency with cataracts; GALACTOSEMIA II. Identifiers: Orphanet 352, Orphanet 79237, MedGen C0268155, MONDO:0009255, OMIM 230200.

Allele frequency attached by ClinVar (database versions not stated): TOPMed below 0.00001; gnomAD 0.00001; gnomAD exomes 0.00002; ExAC 0.00003.
gnomAD v4.1: 13 of 1,606,010 alleles (0.00081%); highest among the groups gnomAD compares: South Asian, 0.0055%; no homozygotes.

Submission:

Labcorp Genetics (formerly Invitae), Labcorp
Classification: Uncertain significance for Deficiency of galactokinase. Last evaluated: 2025-02-17. Review status: criteria provided, single submitter. Criteria: Invitae Variant Classification Sherloc (09022015). Collection method: clinical testing. Allele origin: germline.
Comment: This sequence change replaces arginine, which is basic and polar, with glutamine, which is neutral and polar, at codon 366 of the GALK1 protein (p.Arg366Gln). The frequency data for this variant in the population databases is considered unreliable, as metrics indicate poor data quality at this position in the gnomAD database. This variant has not been reported in the literature in individuals affected with GALK1-related conditions. ClinVar contains an entry for this variant (Variation ID: 1435574). Invitae Evidence Modeling of protein sequence and biophysical properties (such as structural, functional, and spatial information, amino acid conservation, physicochemical variation, residue mobility, and thermodynamic stability) indicates that this missense variant is not expected to disrupt GALK1 protein function with a negative predictive value of 80%. Experimental studies are conflicting or provide insufficient evidence to determine the effect of this variant on GALK1 function (PMID: 29505688). In summary, the available evidence is currently insufficient to determine the role of this variant in disease. Therefore, it has been classified as a Variant of Uncertain Significance.

Literature cited by the submitters: PubMed 29505688.

NM_000154.2(GALK1):c.1097G>A (p.Arg366Gln)

Gene: GALK1 (galactokinase 1; minus strand). Cytogenetic location: 17q25.1.
Variant type: single nucleotide variant.
Coding change: c.1097G>A on transcript NM_000154.2 (MANE Select); coding-DNA position 1097, G replaced by A.
Protein change: p.Arg366Gln; replaces arginine 366 with glutamine.
Molecular consequence: missense variant.
Genome position (GRCh38, 1-based): chr17:75,758,220, C>T on the plus strand (G>A on the coding strand, the complement: GALK1 is on the minus strand). VCF-style: chr17-75758220-C-T. GRCh37 (hg19) VCF-style: chr17-73754301-C-T.
Other names: c.1097G>A, p.Arg366Gln (NM_001381985.1); short protein forms R366Q.
Identifiers: ClinVar variation 1435574 (VCV001435574.5), dbSNP rs538714933, ClinGen allele CA8770740.